The following is an entry in ClinVar:

ClinVar aggregate classification (germline): Pathogenic/Likely pathogenic. Review status: criteria provided, multiple submitters, no conflicts (2 of 4 stars). 2 submissions from 2 submitters: Pathogenic (1); Likely pathogenic (1). Last evaluated 2023-05-16.

Conditions:
Severe combined immunodeficiency disease. Also called: Severe Combined Immune Deficiency; Severe combined immunodeficiency. Identifiers: Orphanet 183660, MedGen C0085110, MeSH D016511, MONDO:0015974, HP:0004430. Inheritance: X-Linked or Autosomal recessive.
T-B+ severe combined immunodeficiency due to JAK3 deficiency. Also called: SCID, autosomal recessive, T-negative/B-positive type; SCID, T CELL-NEGATIVE, B CELL-POSITIVE, NK CELL-NEGATIVE. Identifiers: Orphanet 35078, MedGen C1833275, MONDO:0010938, OMIM 600802.

Submissions (2):

Labcorp Genetics (formerly Invitae), Labcorp
Classification: Pathogenic for T-B+ severe combined immunodeficiency due to JAK3 deficiency. Last evaluated: 2023-05-16. Review status: criteria provided, single submitter. Criteria: Invitae Variant Classification Sherloc (09022015). Collection method: clinical testing. Allele origin: germline.
Comment: ClinVar contains an entry for this variant (Variation ID: 1878321). This variant has not been reported in the literature in individuals affected with JAK3-related conditions. This variant is not present in population databases (gnomAD no frequency). This sequence change creates a premature translational stop signal (p.Arg920Profs*47) in the JAK3 gene. It is expected to result in an absent or disrupted protein product. Loss-of-function variants in JAK3 are known to be pathogenic (PMID: 7481768, 11668621). For these reasons, this variant has been classified as Pathogenic.

Women's Health and Genetics/Laboratory Corporation of America, LabCorp
Classification: Likely pathogenic for Severe combined immunodeficiency disease. Last evaluated: 2022-12-16. Review status: criteria provided, single submitter. Criteria: LabCorp Variant Classification Summary - May 2015. Collection method: clinical testing. Allele origin: germline.
Comment: Variant summary: JAK3 c.2759_2760delGC (p.Arg920ProfsX47) results in a premature termination codon, predicted to cause a truncation of the encoded protein or absence of the protein due to nonsense mediated decay, which are commonly known mechanisms for disease. Truncations downstream of this position have been classified as pathogenic in ClinVar and associated with Immunodeficiency, severe combined in HGMD. The variant was absent in 239936 control chromosomes. To our knowledge, no occurrence of c.2759_2760delGC in individuals affected with Severe Combined Immunodeficiency and no experimental evidence demonstrating its impact on protein function have been reported. No clinical diagnostic laboratories have submitted clinical-significance assessments for this variant to ClinVar after 2014. Based on the evidence outlined above, the variant was classified as likely pathogenic.

Literature cited by the submitters: PubMed 7481768 (cited by Labcorp Genetics (formerly Invitae), Labcorp); PubMed 11668621 (cited by Labcorp Genetics (formerly Invitae), Labcorp).

NM_000215.4(JAK3):c.2759_2760del (p.Arg920fs)

Gene: JAK3 (Janus kinase 3; minus strand). Cytogenetic location: 19p13.11.
Variant type: Microsatellite.
Coding change: c.2759_2760del on transcript NM_000215.4 (MANE Select); coding-DNA positions 2759 to 2760, 2 bases deleted (GC; older notation c.2759_2760delGC).
Protein change: p.Arg920fs; shifts the reading frame from arginine 920.
Molecular consequence: frameshift variant.
Genome position (GRCh38, 1-based): chr19:17,831,719-17,831,720, GC deleted on the plus strand (GC on the coding strand, the reverse complement: JAK3 is on the minus strand); deleting any 2 consecutive bases within chr19:17,831,719-17,831,727 gives the same sequence; the c. name uses the placement nearest the transcript's 3' end. VCF-style (leftmost placement, unchanged base first): chr19-17831718-GGC-G. GRCh37 (hg19) VCF-style: chr19-17942527-GGC-G.
Other names: c.2759_2760delGC (NM_000215.3); c.2752_2753CG[3], p.Arg920Profs (NM_000215.3); short protein forms R920fs.
Identifiers: ClinVar variation 1878321 (VCV001878321.4), dbSNP rs2147676806, ClinGen allele CA2576717220.